The following is an entry in ClinVar:

ClinVar aggregate classification (germline): Benign/Likely benign. Review status: criteria provided, multiple submitters, no conflicts (2 of 4 stars). 5 submissions from 5 submitters: Benign (1); Likely benign (3). 1 of the submissions does not count toward it. Last evaluated 2026-02-02.

Conditions:
SYNE4-related disorder. Also called: SYNE4-related condition.

Allele frequency attached by ClinVar (database versions not stated): gnomAD exomes 0.00089 and 0.00111; ESP Exome Variant Server 0.00090; gnomAD 0.00093 and 0.00095; 1000 Genomes Project 0.00100; ExAC 0.00106; TOPMed 0.00118; 1000 Genomes Project 30x 0.00125.

Submissions (5):

Labcorp Genetics (formerly Invitae), Labcorp
Classification: Benign. Last evaluated: 2026-02-02. Review status: criteria provided, single submitter. Criteria: Invitae Variant Classification Sherloc (09022015). Collection method: clinical testing. Allele origin: germline.

Blueprint Genetics
Classification: Likely benign. Last evaluated: 2024-11-21. Review status: criteria provided, single submitter. Criteria: ACMG Guidelines, 2015. Collection method: clinical testing. Allele origin: germline.

GeneDx
Classification: Likely benign. Last evaluated: 2021-04-13. Review status: criteria provided, single submitter. Criteria: GeneDx Variant Classification Process June 2021. Collection method: clinical testing. Allele origin: germline. Affected: yes.

Laboratory for Molecular Medicine, Mass General Brigham Personalized Medicine
Classification: Likely benign. Last evaluated: 2017-06-22. Review status: criteria provided, single submitter. Criteria: LMM Criteria. Collection method: clinical testing. Allele origin: germline. Observed: 2 variant alleles.
Comment: p.Leu3Leu in exon 1 of SYNE4: This variant is not expected to have clinical sign ificance because it does not alter an amino acid residue and is not located with in the splice consensus sequence. It has been identified in 0.2 (72/33578) of La tino chromosomes by the Genome Aggregation Database (gnomAD; dbSNP rs373148223).

PreventionGenetics, part of Exact Sciences
Classification: Likely benign for SYNE4-related condition. Last evaluated: 2019-09-17. Review status: no assertion criteria provided. Collection method: clinical testing. Allele origin: germline. Not counted in ClinVar's aggregate classification.
Comment: This variant is classified as likely benign based on ACMG/AMP sequence variant interpretation guidelines (Richards et al. 2015 PMID: 25741868, with internal and published modifications).

NM_001039876.3(SYNE4):c.7C>T (p.Leu3=)

Gene: SYNE4 (spectrin repeat containing nuclear envelope family member 4; minus strand). Cytogenetic location: 19q13.12.
Variant type: single nucleotide variant.
Coding change: c.7C>T on transcript NM_001039876.3 (MANE Select); coding-DNA position 7, C replaced by T.
Protein change: p.Leu3=; no amino-acid change (leucine 3 retained).
Molecular consequence: synonymous variant.
Genome position (GRCh38, 1-based): chr19:36,008,675, G>A on the plus strand (C>T on the coding strand, the complement: SYNE4 is on the minus strand). VCF-style: chr19-36008675-G-A. GRCh37 (hg19) VCF-style: chr19-36499577-G-A.
Other names: c.7C>T, p.Leu3= (NM_001297735.3).
Identifiers: ClinVar variation 504816 (VCV000504816.20), dbSNP rs373148223, ClinGen allele CA9394073.
Genomic context (GRCh38, chr19:36,008,675, plus strand): 5'-GTGCTCCCGGTGGGTGGTTGAGGGGCTCTGAGCCAAGTCTAGGGCCCAGAGGCAGGGACA[G>A]GGCCATGGCTGGGGGCCTGGGGACACAAAGTCAGGTGAGGGCAGCCAGTAAGACCTCTTC-3'
Protein context (NP_001034965.1, residues 1-13): MA[Leu3=]SLPLGPRLGS